The following is an entry in ClinVar:

NM_032588.4(TRIM63):c.502-9C>A

Gene: TRIM63 (tripartite motif containing 63; minus strand). Cytogenetic location: 1p36.11.
Variant type: single nucleotide variant.
Coding change: c.502-9C>A on transcript NM_032588.4 (MANE Select); 9 bases into the intron before coding-DNA position 502, C replaced by A.
Molecular consequence: intron variant.
Genome position (GRCh38, 1-based): chr1:26,060,370, G>T on the plus strand (C>A on the coding strand, the complement: TRIM63 is on the minus strand). VCF-style: chr1-26060370-G-T. GRCh37 (hg19) VCF-style: chr1-26386861-G-T.
Identifiers: ClinVar variation 4979497 (VCV004979497.1).

ClinVar aggregate classification (germline): Likely benign (1 of 4 stars; one submission).

Conditions:
TRIM63-related disorder. Also called: TRIM63-related condition.

Submission:

PreventionGenetics, part of Exact Sciences
Classification: Likely benign for TRIM63-related condition. Last evaluated: 2026-04-14. Review status: criteria provided, single submitter. Criteria: ACMG Guidelines, 2015. Collection method: clinical testing. Allele origin: germline.
Comment: This variant is classified as likely benign based on ACMG/AMP sequence variant interpretation guidelines (Richards et al. 2015 PMID: 25741868, with internal and published modifications).